The following is an entry in ClinVar:

ClinVar aggregate classification (germline): Uncertain significance (1 of 4 stars; one submission).

Submission:

GeneDx
Classification: Uncertain significance. Last evaluated: 2024-07-03. Review status: criteria provided, single submitter. Criteria: GeneDx Variant Classification Process June 2021. Collection method: clinical testing. Allele origin: germline. Affected: yes.
Comment: Not observed at significant frequency in large population cohorts (gnomAD); In silico analysis supports that this missense variant has a deleterious effect on protein structure/function; Has not been previously published as pathogenic or benign to our knowledge

NM_018896.5(CACNA1G):c.5369T>C (p.Met1790Thr)

Gene: CACNA1G (calcium voltage-gated channel subunit alpha1 G; plus strand). Cytogenetic location: 17q21.33.
Variant type: single nucleotide variant.
Coding change: c.5369T>C on transcript NM_018896.5 (MANE Select); coding-DNA position 5369, T replaced by C.
Protein change: p.Met1790Thr; replaces methionine 1790 with threonine.
Molecular consequence: missense variant. On other transcripts: non-coding transcript variant (5).
Genome position (GRCh38, 1-based): chr17:50,618,285, T>C. VCF-style: chr17-50618285-T-C. GRCh37 (hg19) VCF-style: chr17-48695646-T-C.
Other names: c.5315T>C, p.Met1772Thr (NM_001256324.2, NM_198386.3); c.5390T>C, p.Met1797Thr (NM_001256325.2); c.5234T>C, p.Met1745Thr (NM_001256326.2, NM_001256330.2); c.5348T>C, p.Met1783Thr (NM_001256327.2); c.5294T>C, p.Met1765Thr (NM_001256328.2); c.5267T>C, p.Met1756Thr (NM_001256329.2, NM_198376.3, NM_198379.3 and 2 more transcripts); c.5213T>C, p.Met1738Thr (NM_001256331.2); c.5198T>C, p.Met1733Thr (NM_001256332.2); and 7 more; short protein forms M1756T, M1765T, M1767T, M1797T, M1733T, M1738T, M1745T, M1752T.
Identifiers: ClinVar variation 3393820 (VCV003393820.1).